The following is an entry in ClinVar:

NM_018191.4(RCBTB1):c.209G>T (p.Gly70Val)

Gene: RCBTB1 (RCC1 and BTB domain containing protein 1; minus strand). Cytogenetic location: 13q14.2.
Variant type: single nucleotide variant.
Coding change: c.209G>T on transcript NM_018191.4 (MANE Select); coding-DNA position 209, G replaced by T.
Protein change: p.Gly70Val; replaces glycine 70 with valine.
Molecular consequence: missense variant. On other transcripts: 5 prime UTR variant (1), non-coding transcript variant (2).
Genome position (GRCh38, 1-based): chr13:49,566,686, C>A on the plus strand (G>T on the coding strand, the complement: RCBTB1 is on the minus strand). VCF-style: chr13-49566686-C-A. GRCh37 (hg19) VCF-style: chr13-50140822-C-A.
Other names: c.209G>T, p.Gly70Val (NM_001352500.2, NM_001352501.2, NM_001352502.2 and 3 more transcripts); c.-401G>T (NM_001352506.2); c.209G>T (NM_018191.3); short protein forms G70V.
Identifiers: ClinVar variation 1474785 (VCV001474785.7), dbSNP rs748168580, ClinGen allele CA388195460.

ClinVar aggregate classification (germline): Uncertain significance. Review status: criteria provided, multiple submitters, no conflicts (2 of 4 stars). 2 submissions from 2 submitters: Uncertain significance (2). Last evaluated 2024-04-15.

Submissions (2):

Ambry Genetics
Classification: Uncertain significance. Last evaluated: 2024-04-15. Review status: criteria provided, single submitter. Criteria: Ambry Variant Classification Scheme 2023. Collection method: clinical testing. Allele origin: germline.

Labcorp Genetics (formerly Invitae), Labcorp
Classification: Uncertain significance. Last evaluated: 2021-11-04. Review status: criteria provided, single submitter. Criteria: Invitae Variant Classification Sherloc (09022015). Collection method: clinical testing. Allele origin: germline.
Comment: In summary, the available evidence is currently insufficient to determine the role of this variant in disease. Therefore, it has been classified as a Variant of Uncertain Significance. Algorithms developed to predict the effect of missense changes on protein structure and function (SIFT, PolyPhen-2, Align-GVGD) all suggest that this variant is likely to be tolerated. This variant has not been reported in the literature in individuals affected with RCBTB1-related conditions. This variant is present in population databases (no rsID available, gnomAD 0.004%). This sequence change replaces glycine, which is neutral and non-polar, with valine, which is neutral and non-polar, at codon 70 of the RCBTB1 protein (p.Gly70Val).